The following is an entry in ClinVar:

NC_000019.9:g.(54307377_54308533)_(54308705_54310748)del

Gene: NLRP12 (NLR family pyrin domain containing 12; minus strand). Cytogenetic location: 19q13.42.
Variant type: Deletion.
Identifiers: ClinVar variation 3768444 (VCV003768444.1).

ClinVar aggregate classification (germline): Uncertain significance (1 of 4 stars; one submission).

Submission:

Women's Health and Genetics/Laboratory Corporation of America, LabCorp
Classification: Uncertain significance. Last evaluated: 2024-12-31. Review status: criteria provided, single submitter. Criteria: LabCorp Variant Classification Summary - May 2015. Collection method: clinical testing. Allele origin: germline.
Comment: Variant summary: The variant involves the deletion of exon 5 in the NLRP12 gene. A presumed nomenclature of c.(2243+1_2244-1)_(2414+1_2415-1)del has been designated for the purposes of this classification. Current evidence is not sufficient to establish loss of function as a mechanism for disease. The variant was absent in 20196 control chromosomes. The available data on variant occurrences in the general population are insufficient to allow any conclusion about variant significance. To our knowledge, no occurrence of c.(2243+1_2244-1)_(2414+1_2415-1)del in individuals affected with Familial cold autoinflammatory syndrome 2 and no experimental evidence demonstrating its impact on protein function have been reported. ClinVar contains an entry for this variant (Variation ID: 584195). Based on the evidence outlined above, the variant was classified as uncertain significance.